The following is an entry in ClinVar:

NM_133259.4(LRPPRC):c.1876A>G (p.Ile626Val)

Gene: LRPPRC (leucine rich pentatricopeptide repeat containing; minus strand). Cytogenetic location: 2p21.
Variant type: single nucleotide variant.
Coding change: c.1876A>G on transcript NM_133259.4 (MANE Select); coding-DNA position 1876, A replaced by G.
Protein change: p.Ile626Val; replaces isoleucine 626 with valine.
Molecular consequence: missense variant.
Genome position (GRCh38, 1-based): chr2:43,948,166, T>C on the plus strand (A>G on the coding strand, the complement: LRPPRC is on the minus strand). VCF-style: chr2-43948166-T-C. GRCh37 (hg19) VCF-style: chr2-44175305-T-C.
Other names: short protein forms I626V.
Identifiers: ClinVar variation 3899825 (VCV003899825.2).

ClinVar aggregate classification (germline): Uncertain significance (1 of 4 stars; one submission).

Submission:

GeneDx
Classification: Uncertain significance. Last evaluated: 2026-04-17. Review status: criteria provided, single submitter. Criteria: GeneDx Variant Classification Process June 2021. Collection method: clinical testing. Allele origin: germline.
Comment: In silico analysis suggests that this missense variant does not alter protein structure/function; Has not been previously published as pathogenic or benign to our knowledge